The following is an entry in ClinVar:

NM_022552.5(DNMT3A):c.2580G>A (p.Trp860Ter)

Gene: DNMT3A (DNA methyltransferase 3 alpha; minus strand). Cytogenetic location: 2p23.3.
Variant type: single nucleotide variant.
Coding change: c.2580G>A on transcript NM_022552.5 (MANE Select); coding-DNA position 2580, G replaced by A.
Protein change: p.Trp860Ter; replaces tryptophan 860 with a stop codon.
Molecular consequence: nonsense. On other transcripts: non-coding transcript variant (1).
Genome position (GRCh38, 1-based): chr2:25,235,724, C>T on the plus strand (G>A on the coding strand, the complement: DNMT3A is on the minus strand). VCF-style: chr2-25235724-C-T. GRCh37 (hg19) VCF-style: chr2-25458593-C-T.
Other names: c.2124G>A, p.Trp708Ter (NM_001320893.1); c.1911G>A, p.Trp637Ter (NM_001375819.1); c.2013G>A, p.Trp671Ter (NM_153759.3); c.2580G>A, p.Trp860Ter (NM_175629.2); short protein forms W637*, W671*, W708*, W860*.
Identifiers: ClinVar variation 2606701 (VCV002606701.3), dbSNP rs376830288, ClinGen allele CA1555529.

ClinVar aggregate classification (germline): Pathogenic/Likely pathogenic. Review status: criteria provided, multiple submitters, no conflicts (2 of 4 stars). 2 submissions from 2 submitters: Pathogenic (1); Likely pathogenic (1). Last evaluated 2023-08-08.

Conditions:
Intellectual disability. Also called: Intellectual functioning disability; intellectual disabilities; Intellectual developmental disorder. Identifiers: MedGen C3714756, MeSH D008607, MONDO:0001071, HP:0001249.
Inborn genetic diseases. Identifiers: MedGen C0950123, MeSH D030342.

Allele frequency attached by ClinVar (database versions not stated): ExAC 0.00001; ESP Exome Variant Server 0.00008; gnomAD 0.00002.
gnomAD v4.1: 7 of 1,613,894 alleles (0.00043%); highest among the groups gnomAD compares: African/African-American, 0.004%; no homozygotes.

Submissions (2):

Ambry Genetics
Classification: Pathogenic for Inborn genetic diseases. Last evaluated: 2023-08-08. Review status: criteria provided, single submitter. Criteria: Ambry Variant Classification Scheme 2023. Collection method: clinical testing. Allele origin: germline.
Comment: The c.2580G>A (p.W860*) alteration, located in exon 22 (coding exon 21) of the DNMT3A gene, consists of a G to A substitution at nucleotide position 2580. This changes the amino acid from a tryptophan (W) to a stop codon at amino acid position 860. This alteration occurs at the 3' terminus of the DNMT3A gene, is not expected to trigger nonsense-mediated mRNA decay, and only impacts the last 53 amino acids of the protein. However, premature stop codons are typically deleterious in nature, the impacted region is critical for protein function, and a significant portion of the protein is affected (Ambry internal data). for autosomal dominant Tatton-Brown-Rahman syndrome; however, its clinical significance for autosomal dominant Heyn-Sproul-Jackson syndrome is uncertain. Based on data from gnomAD, the A allele has an overall frequency of 0.0008% (3/152186) total alleles studied. The highest observed frequency was 0.004825% (2/41450) of African/African American alleles. Based on the available evidence, this alteration is classified as pathogenic.

Laboratory for Molecular Medicine, Mass General Brigham Personalized Medicine
Classification: Likely pathogenic for Intellectual disability. Last evaluated: 2020-08-11. Review status: criteria provided, single submitter. Criteria: ACMG Guidelines, 2015. Collection method: clinical testing. Allele origin: germline.
Comment: The p.Trp860X variant in DNMT3A has not been reported in individuals with DNMT3A overgrowth syndrome and was absent from large population studies. This nonsense variant leads to a premature termination codon at position 860. This alteration occurs within the terminal 50 bases of the second to last exon and is, therefore, likely to escape nonsense mediated decay (NMD) and result in a truncated protein. Other variants in the last exon of DNMT3A have ocurred de novo in individuals with overgrowth and intellectual disability (Tatton-Brown 2014 PMID: 24614070, Tatton-Brown 2017 PMID: 28475857). This exon has been reported to encode a protein domain that plays a role in DNMT3A-mediated DNA methylation, and this nonsense variant would remove the DNMT3A–DNMT3A homodimeric interface residues (S881, R882, L883 and R887) and residues important for TRD loop stabilization (Zhang 2018 PMID: 29414941). It is possible that some DNMT3A variants may actually represent postzygotic clonal hematopoiesis rather than constitutional variants (see PMID 27546487; 25426838). In summary, although additional studies are required to fully establish its clinical significance, this variant meets criteria to be classified as likely pathogenic for autosomal dominant overgrowth syndrome and intellectual disability. ACMG/AMP Criteria applied: PM2, PM4, PM1.